The following is an entry in ClinVar:

NM_001042750.2(STAG2):c.2176C>A (p.Pro726Thr)

Gene: STAG2 (STAG2 cohesin complex component; plus strand). Cytogenetic location: Xq25.
Variant type: single nucleotide variant.
Coding change: c.2176C>A on transcript NM_001042750.2 (MANE Select); coding-DNA position 2176, C replaced by A.
Protein change: p.Pro726Thr; replaces proline 726 with threonine.
Molecular consequence: missense variant.
Genome position (GRCh38, 1-based): chrX:124,066,254, C>A. VCF-style: chrX-124066254-C-A. GRCh37 (hg19) VCF-style: chrX-123200104-C-A.
Other names: c.2176C>A, p.Pro726Thr (NM_001042749.2, NM_001042751.2, NM_001282418.2 and 13 more transcripts); short protein forms P726T.
Identifiers: ClinVar variation 1318979 (VCV001318979.2), dbSNP rs138155911, ClinGen allele CA414273696.

ClinVar aggregate classification (germline): Uncertain significance (1 of 4 stars; one submission).

Submission:

GeneDx
Classification: Uncertain significance. Last evaluated: 2019-09-05. Review status: criteria provided, single submitter. Criteria: GeneDx Variant Classification Process June 2021. Collection method: clinical testing. Allele origin: germline. Affected: yes.
Comment: Not observed in large population cohorts (Lek et al., 2016); In silico analysis, which includes protein predictors and evolutionary conservation, supports a deleterious effect; Has not been previously published as pathogenic or benign to our knowledge